The following is an entry in ClinVar:

ClinVar aggregate classification (germline): Uncertain significance (1 of 4 stars; one submission).

Submission:

Ambry Genetics
Classification: Uncertain significance. Last evaluated: 2024-08-10. Review status: criteria provided, single submitter. Criteria: Ambry Variant Classification Scheme 2023. Collection method: clinical testing. Allele origin: germline.
Comment: The p.K85E variant (also known as c.253A>G), located in coding exon 3 of the RINT1 gene, results from an A to G substitution at nucleotide position 253. The lysine at codon 85 is replaced by glutamic acid, an amino acid with similar properties. This amino acid position is conserved. In addition, the in silico prediction for this alteration is inconclusive. Based on the available evidence, the clinical significance of this variant remains unclear.

NM_021930.6(RINT1):c.253A>G (p.Lys85Glu)

Gene: RINT1 (RAD50 interactor 1; plus strand). Cytogenetic location: 7q22.3.
Variant type: single nucleotide variant.
Coding change: c.253A>G on transcript NM_021930.6 (MANE Select); coding-DNA position 253, A replaced by G.
Protein change: p.Lys85Glu; replaces lysine 85 with glutamic acid.
Molecular consequence: missense variant. On other transcripts: 5 prime UTR variant (3), non-coding transcript variant (1), intron variant (1).
Genome position (GRCh38, 1-based): chr7:105,536,729, A>G. VCF-style: chr7-105536729-A-G. GRCh37 (hg19) VCF-style: chr7-105177176-A-G.
Other names: c.-767A>G (NM_001346600.2); c.-670A>G (NM_001346601.2); c.-290A>G (NM_001346603.2); c.39+117A>G (NM_001346599.2); short protein forms K85E.
Identifiers: ClinVar variation 3433576 (VCV003433576.1).